The following is an entry in ClinVar:

ClinVar aggregate classification (germline): Uncertain significance. Review status: criteria provided, multiple submitters, no conflicts (2 of 4 stars). 2 submissions from 2 submitters: Uncertain significance (2). Last evaluated 2026-01-05.

Conditions:
Inborn genetic diseases. Identifiers: MedGen C0950123, MeSH D030342.

Allele frequency attached by ClinVar (database versions not stated): gnomAD exomes 0.00001 and below 0.00001; ExAC 0.00001; TOPMed 0.00001.
gnomAD v4.1: 4 of 1,613,198 alleles (0.00025%); highest among the groups gnomAD compares: East Asian, 0.0022%; no homozygotes.

Submissions (2):

Labcorp Genetics (formerly Invitae), Labcorp
Classification: Uncertain significance. Last evaluated: 2026-01-05. Review status: criteria provided, single submitter. Criteria: Invitae Variant Classification Sherloc (09022015). Collection method: clinical testing. Allele origin: germline.
Comment: This sequence change replaces arginine, which is basic and polar, with glutamine, which is neutral and polar, at codon 563 of the ERCC6L2 protein (p.Arg563Gln). This variant is present in population databases (rs773741539, gnomAD 0.003%). This variant has not been reported in the literature in individuals affected with ERCC6L2-related conditions. ClinVar contains an entry for this variant (Variation ID: 1368074). Experimental studies and prediction algorithms are not available or were not evaluated, and the functional significance of this variant is currently unknown. In summary, the available evidence is currently insufficient to determine the role of this variant in disease. Therefore, it has been classified as a Variant of Uncertain Significance.

Ambry Genetics
Classification: Uncertain significance for Inborn genetic diseases. Last evaluated: 2024-10-15. Review status: criteria provided, single submitter. Criteria: Ambry Variant Classification Scheme 2023. Collection method: clinical testing. Allele origin: germline.
Comment: The p.R552Q variant (also known as c.1655G>A), located in coding exon 11 of the ERCC6L2 gene, results from a G to A substitution at nucleotide position 1655. The arginine at codon 552 is replaced by glutamine, an amino acid with highly similar properties. This amino acid position is conserved. In addition, the in silico prediction for this alteration is inconclusive. Based on the available evidence, the clinical significance of this variant remains unclear.

NM_020207.7(ERCC6L2):c.1655G>A (p.Arg552Gln)

Gene: ERCC6L2 (ERCC excision repair 6 like 2; plus strand). Cytogenetic location: 9q22.32.
Variant type: single nucleotide variant.
Coding change: c.1655G>A on transcript NM_020207.7 (MANE Select); coding-DNA position 1655, G replaced by A.
Protein change: p.Arg552Gln; replaces arginine 552 with glutamine.
Molecular consequence: missense variant. On other transcripts: non-coding transcript variant (1).
Genome position (GRCh38, 1-based): chr9:95,928,768, G>A. VCF-style: chr9-95928768-G-A. GRCh37 (hg19) VCF-style: chr9-98691050-G-A.
Other names: c.1655G>A, p.Arg552Gln (NM_001010895.4, NM_001375291.1, NM_001375292.1 and 2 more transcripts); short protein forms R552Q.
Identifiers: ClinVar variation 1368074 (VCV001368074.7), dbSNP rs773741539, ClinGen allele CA5139645.